The following is an entry in ClinVar:

NM_014467.3(SRPX2):c.1046C>G (p.Ala349Gly)

Gene: SRPX2 (sushi repeat containing protein X-linked 2; plus strand). Cytogenetic location: Xq22.1.
Variant type: single nucleotide variant.
Coding change: c.1046C>G on transcript NM_014467.3 (MANE Select); coding-DNA position 1046, C replaced by G.
Protein change: p.Ala349Gly; replaces alanine 349 with glycine.
Molecular consequence: missense variant.
Genome position (GRCh38, 1-based): chrX:100,667,358, C>G. VCF-style: chrX-100667358-C-G. GRCh37 (hg19) VCF-style: chrX-99922355-C-G.
Other names: short protein forms A349G.
Identifiers: ClinVar variation 972034 (VCV000972034.10), dbSNP rs2083208096, ClinGen allele CA413913610.

ClinVar aggregate classification (germline): Uncertain significance (1 of 4 stars; one submission).

Conditions:
Rolandic epilepsy, impaired intellectual development, and speech dyspraxia, X-linked. Also called: Rolandic epilepsy, intellectual disability, and speech dyspraxia, X-linked; Rolandic epilepsy, impaired intellectual development, and speech dyspraxia. Identifiers: MedGen C1845070, MONDO:0010388, OMIM 300643.

Submission:

Labcorp Genetics (formerly Invitae), Labcorp
Classification: Uncertain significance for Rolandic epilepsy, impaired intellectual development, and speech dyspraxia, X-linked. Last evaluated: 2019-11-07. Review status: criteria provided, single submitter. Criteria: Invitae Variant Classification Sherloc (09022015). Collection method: clinical testing. Allele origin: germline.
Comment: This sequence change replaces alanine with glycine at codon 349 of the SRPX2 protein (p.Ala349Gly). The alanine residue is highly conserved and there is a small physicochemical difference between alanine and glycine. This variant is not present in population databases (ExAC no frequency). This variant has not been reported in the literature in individuals with SRPX2-related conditions. Algorithms developed to predict the effect of missense changes on protein structure and function are either unavailable or do not agree on the potential impact of this missense change (SIFT: "Tolerated"; PolyPhen-2: "Possibly Damaging"; Align-GVGD: "Class C0"). Algorithms developed to predict the effect of sequence changes on RNA splicing suggest that this variant may create or strengthen a splice site, but this prediction has not been confirmed by published transcriptional studies. In summary, the available evidence is currently insufficient to determine the role of this variant in disease. Therefore, it has been classified as a Variant of Uncertain Significance.